The following is an entry in ClinVar:

NM_005862.3(STAG1):c.3557+3_3557+6del

Gene: STAG1 (STAG1 cohesin complex component; minus strand). Cytogenetic location: 3q22.3.
Variant type: Deletion.
Coding change: c.3557+3_3557+6del on transcript NM_005862.3 (MANE Select); bases 3 to 6 of the intron after coding-DNA position 3557, 4 bases deleted (AAGT; older notation c.3557+3_3557+6delAAGT).
Molecular consequence: splice donor variant.
Genome position (GRCh38, 1-based): chr3:136,341,435-136,341,438, ACTT deleted on the plus strand (AAGT on the coding strand, the reverse complement: STAG1 is on the minus strand); deleting any 4 consecutive bases within chr3:136,341,435-136,341,440 gives the same sequence; the c. name uses the placement nearest the transcript's 3' end. VCF-style (leftmost placement, unchanged base first): chr3-136341434-CACTT-C. GRCh37 (hg19) VCF-style: chr3-136060276-CACTT-C.
Identifiers: ClinVar variation 3632390 (VCV003632390.2).

ClinVar aggregate classification (germline): Uncertain significance (1 of 4 stars; one submission).

Submission:

Labcorp Genetics (formerly Invitae), Labcorp
Classification: Uncertain significance. Last evaluated: 2024-04-02. Review status: criteria provided, single submitter. Criteria: Invitae Variant Classification Sherloc (09022015). Collection method: clinical testing. Allele origin: germline.
Comment: This sequence change falls in intron 31 of the STAG1 gene. It does not directly change the encoded amino acid sequence of the STAG1 protein. It affects a nucleotide within the consensus splice site. This variant is present in population databases (rs772721933, gnomAD 0.007%). This variant has not been reported in the literature in individuals affected with STAG1-related conditions. Variants that disrupt the consensus splice site are a relatively common cause of aberrant splicing (PMID: 17576681, 9536098). Algorithms developed to predict the effect of sequence changes on RNA splicing suggest that this variant may disrupt the consensus splice site. In summary, the available evidence is currently insufficient to determine the role of this variant in disease. Therefore, it has been classified as a Variant of Uncertain Significance.

Literature cited by the submitters: PubMed 17576681; PubMed 9536098.